The following is an entry in ClinVar:

NM_018263.6(ASXL2):c.2190A>C (p.Glu730Asp)

Gene: ASXL2 (ASXL transcriptional regulator 2; minus strand). Cytogenetic location: 2p23.3.
Variant type: single nucleotide variant.
Coding change: c.2190A>C on transcript NM_018263.6 (MANE Select); coding-DNA position 2190, A replaced by C.
Protein change: p.Glu730Asp; replaces glutamic acid 730 with aspartic acid.
Molecular consequence: missense variant.
Genome position (GRCh38, 1-based): chr2:25,744,147, T>G on the plus strand (A>C on the coding strand, the complement: ASXL2 is on the minus strand). VCF-style: chr2-25744147-T-G. GRCh37 (hg19) VCF-style: chr2-25967016-T-G.
Other names: c.2016A>C, p.Glu672Asp (NM_001369346.1); c.1410A>C, p.Glu470Asp (NM_001369347.1); c.2190A>C (NM_018263.4); short protein forms E470D, E672D, E730D.
Identifiers: ClinVar variation 1400881 (VCV001400881.10), dbSNP rs1287433846, ClinGen allele CA346081848.

ClinVar aggregate classification (germline): Conflicting classifications of pathogenicity. Review status: criteria provided, conflicting classifications (1 of 4 stars). 3 submissions from 3 submitters: Uncertain significance (1); Benign (1); Likely benign (1). Last evaluated 2025-10-01.

Allele frequency attached by ClinVar (database versions not stated): gnomAD exomes 0.00001.
gnomAD v4.1: 16 of 1,613,998 alleles (0.00099%); highest among the groups gnomAD compares: Non-Finnish European, 0.0013%; no homozygotes.

Submissions (3):

Labcorp Genetics (formerly Invitae), Labcorp
Classification: Benign. Last evaluated: 2025-10-01. Review status: criteria provided, single submitter. Criteria: Invitae Variant Classification Sherloc (09022015). Collection method: clinical testing. Allele origin: germline.

GeneDx
Classification: Uncertain significance. Last evaluated: 2024-01-10. Review status: criteria provided, single submitter. Criteria: GeneDx Variant Classification Process June 2021. Collection method: clinical testing. Allele origin: germline. Affected: yes.
Comment: Not observed at significant frequency in large population cohorts (gnomAD); In silico analysis supports that this missense variant does not alter protein structure/function; Has not been previously published as pathogenic or benign to our knowledge

Laboratorio de Genetica e Diagnostico Molecular, Hospital Israelita Albert Einstein
Classification: Likely benign. Last evaluated: 2020-07-01. Review status: criteria provided, single submitter. Criteria: ACMG Guidelines, 2015. Collection method: clinical testing. Allele origin: germline. Affected: yes.
Comment: ACMG classification criteria: PM2, BP1, BP4